The following is an entry in ClinVar:

ClinVar aggregate classification (germline): Benign/Likely benign. Review status: criteria provided, multiple submitters, no conflicts (2 of 4 stars). 4 submissions from 4 submitters: Benign (1); Likely benign (3). Last evaluated 2025-10-06.

Conditions:
Hereditary cancer-predisposing syndrome. Also called: Tumor predisposition; Neoplastic Syndromes, Hereditary; Hereditary Cancer Syndrome; Hereditary neoplastic syndrome. Identifiers: Orphanet 140162, MedGen C0027672, MeSH D009386, MONDO:0015356.
Tuberous sclerosis 2 (TSC2). Identifiers: Orphanet 805, MedGen C1860707, MONDO:0013199, OMIM 613254.

Allele frequency attached by ClinVar (database versions not stated): ExAC 0.00001; gnomAD exomes 0.00001 and 0.00002; TOPMed 0.00001.
gnomAD v4.1: 15 of 1,608,884 alleles (0.00093%); highest among the groups gnomAD compares: South Asian, 0.014%; no homozygotes.

Submissions (4):

Labcorp Genetics (formerly Invitae), Labcorp
Classification: Benign for Tuberous sclerosis 2. Last evaluated: 2025-10-06. Review status: criteria provided, single submitter. Criteria: Invitae Variant Classification Sherloc (09022015). Collection method: clinical testing. Allele origin: germline.

Myriad Genetics, Inc.
Classification: Likely benign for Tuberous sclerosis 2. Last evaluated: 2024-08-23. Review status: criteria provided, single submitter. Criteria: Myriad Autosomal Dominant, Autosomal Recessive and X-Linked Classification Criteria (2023). Collection method: clinical testing. Allele origin: unknown.
Comment: This variant is considered likely benign. This variant has been observed at a population frequency that is significantly greater than expected given the associated disease prevalence and penetrance.

Ambry Genetics
Classification: Likely benign for Hereditary cancer-predisposing syndrome. Last evaluated: 2022-11-18. Review status: criteria provided, single submitter. Criteria: Ambry Variant Classification Scheme 2023. Collection method: clinical testing. Allele origin: germline.

Genome-Nilou Lab
Classification: Likely benign for Tuberous sclerosis 2. Last evaluated: 2021-11-07. Review status: criteria provided, single submitter. Criteria: ACMG Guidelines, 2015. Collection method: clinical testing. Allele origin: germline. Affected: no.

NM_000548.5(TSC2):c.4942A>G (p.Ile1648Val)

Gene: TSC2 (TSC complex subunit 2; plus strand). Cytogenetic location: 16p13.3.
Variant type: single nucleotide variant.
Coding change: c.4942A>G on transcript NM_000548.5 (MANE Select); coding-DNA position 4942, A replaced by G.
Protein change: p.Ile1648Val; replaces isoleucine 1648 with valine.
Molecular consequence: missense variant.
Genome position (GRCh38, 1-based): chr16:2,086,824, A>G. VCF-style: chr16-2086824-A-G. GRCh37 (hg19) VCF-style: chr16-2136825-A-G.
Other names: c.4741A>G, p.Ile1581Val (NM_001077183.3); c.4873A>G, p.Ile1625Val (NM_001114382.3); c.4633A>G, p.Ile1545Val (NM_001318827.2); c.4597A>G, p.Ile1533Val (NM_001318829.2); c.4210A>G, p.Ile1404Val (NM_001318831.2); c.4774A>G, p.Ile1592Val (NM_001318832.2); c.4744A>G, p.Ile1582Val (NM_001363528.2); c.4810A>G, p.Ile1604Val (NM_001370404.1); and 1 more; short protein forms I1648V, I1604V, I1605V, I1533V, I1581V, I1625V, I1404V, I1545V.
Identifiers: ClinVar variation 405966 (VCV000405966.18), dbSNP rs749554579, ClinGen allele CA053109.